The following is an entry in ClinVar:

ClinVar aggregate classification (germline): Conflicting classifications of pathogenicity. Review status: criteria provided, conflicting classifications (1 of 4 stars). 4 submissions from 4 submitters: Uncertain significance (1); Likely benign (3). Last evaluated 2026-01-11.

Conditions:
Inborn genetic diseases. Identifiers: MedGen C0950123, MeSH D030342.
Supravalvar aortic stenosis (SVAS). Also called: Supravalvar aortic stenosis, Eisenberg type. Identifiers: Orphanet 3193, MedGen C0003499, MONDO:0008504, OMIM 185500, HP:0004381.

Allele frequency attached by ClinVar (database versions not stated): gnomAD exomes 0.00003 and 0.00013; ExAC 0.00016; TOPMed 0.00041; gnomAD 0.00043 and 0.00044; ESP Exome Variant Server 0.00054; 1000 Genomes Project 0.00140.
gnomAD v4.1: 116 of 1,613,752 alleles (0.0072%); highest among the groups gnomAD compares: African/African-American, 0.13%; no homozygotes.

Submissions (4):

Labcorp Genetics (formerly Invitae), Labcorp
Classification: Likely benign for Supravalvar aortic stenosis. Last evaluated: 2026-01-11. Review status: criteria provided, single submitter. Criteria: Invitae Variant Classification Sherloc (09022015). Collection method: clinical testing. Allele origin: germline.

Ambry Genetics
Classification: Likely benign for Inborn genetic diseases. Last evaluated: 2023-05-08. Review status: criteria provided, single submitter. Criteria: Ambry Variant Classification Scheme 2023. Collection method: clinical testing. Allele origin: germline.

GeneDx
Classification: Uncertain significance. Last evaluated: 2022-11-15. Review status: criteria provided, single submitter. Criteria: GeneDx Variant Classification Process June 2021. Collection method: clinical testing. Allele origin: germline. Affected: yes.
Comment: Has not been previously published as pathogenic or benign to our knowledge; In silico analysis supports that this missense variant does not alter protein structure/function

Blueprint Genetics
Classification: Likely benign. Last evaluated: 2022-03-30. Review status: criteria provided, single submitter. Criteria: ACMG Guidelines, 2015. Collection method: clinical testing. Allele origin: germline.

NM_000501.4(ELN):c.1697C>T (p.Ala566Val)

Genes: ELN (elastin; plus strand), ELN-AS1 (ELN antisense RNA 1; minus strand). Cytogenetic location: 7q11.23.
Variant type: single nucleotide variant.
Coding change: c.1697C>T on transcript NM_000501.4 (MANE Select); coding-DNA position 1697, C replaced by T.
Protein change: p.Ala566Val; replaces alanine 566 with valine.
Molecular consequence: missense variant.
Genome position (GRCh38, 1-based): chr7:74,060,451, C>T. VCF-style: chr7-74060451-C-T. GRCh37 (hg19) VCF-style: chr7-73474781-C-T.
Other names: c.1610C>T, p.Ala537Val (NM_001081752.3); c.1655C>T, p.Ala552Val (NM_001081753.3); c.1712C>T, p.Ala571Val (NM_001081754.3); c.1640C>T, p.Ala547Val (NM_001081755.3); c.1697C>T, p.Ala566Val (NM_001278912.2); c.1454C>T, p.Ala485Val (NM_001278913.2); c.1625C>T, p.Ala542Val (NM_001278914.2); c.1715C>T, p.Ala572Val (NM_001278915.2); and 4 more; short protein forms A477V, A485V, A518V, A537V, A542V, A547V, A552V, A556V.
Identifiers: ClinVar variation 1113397 (VCV001113397.15), dbSNP rs138876104, ClinGen allele CA4293160.